The following is an entry in ClinVar:

NM_000138.5(FBN1):c.4688G>C (p.Cys1563Ser)

Gene: FBN1 (fibrillin 1; minus strand). Cytogenetic location: 15q21.1.
Variant type: single nucleotide variant.
Coding change: c.4688G>C on transcript NM_000138.5 (MANE Select); coding-DNA position 4688, G replaced by C.
Protein change: p.Cys1563Ser; replaces cysteine 1563 with serine.
Molecular consequence: missense variant.
Genome position (GRCh38, 1-based): chr15:48,467,997, C>G on the plus strand (G>C on the coding strand, the complement: FBN1 is on the minus strand). VCF-style: chr15-48467997-C-G. GRCh37 (hg19) VCF-style: chr15-48760194-C-G.
Other names: short protein forms C1563S.
Identifiers: ClinVar variation 430267 (VCV000430267.2), dbSNP rs1131691871, ClinGen allele CA392352967.

ClinVar aggregate classification (germline): Likely pathogenic (1 of 4 stars; one submission).

Submission:

GeneDx
Classification: Likely pathogenic. Last evaluated: 2015-11-17. Review status: criteria provided, single submitter. Criteria: GeneDx Variant Classification (06012015). Collection method: clinical testing. Allele origin: germline. Affected: yes.
Comment: The C1563S variant in the FBN1 gene has not been reported previously as a pathogenic variant, nor as a benign variant, to our knowledge. The C1563S variant was not observed in approximately 6,500 individuals of European and African American ancestry in the NHLBI Exome Sequencing Project, indicating it is not a common benign variant in these populations. The C1563S variant is a non-conservative amino acid substitution, which is likely to impact secondary protein structure as these residues differ in polarity, charge, size and/or other properties. This substitution occurs at a position that is conserved across species. In silico analysis is inconsistent in its predictions as to whether or not the variant is damaging to the protein structure/function. Missense variants in the same and nearby residues (C1563W, C1564Y, C1564S, C1564F) have been reported in the Human Gene Mutation Database in association with Marfan syndrome and stiff skin syndrome (Stenson et al., 2014), supporting the functional importance of this region of the protein. The C1563S variant is a strong candidate for a pathogenic variant